The following is an entry in ClinVar:

NM_000302.4(PLOD1):c.77-20A>C

Gene: PLOD1 (procollagen-lysine,2-oxoglutarate 5-dioxygenase 1; plus strand). Cytogenetic location: 1p36.22.
Variant type: single nucleotide variant.
Coding change: c.77-20A>C on transcript NM_000302.4 (MANE Select); 20 bases into the intron before coding-DNA position 77, A replaced by C.
Molecular consequence: intron variant.
Genome position (GRCh38, 1-based): chr1:11,947,956, A>C. VCF-style: chr1-11947956-A-C. GRCh37 (hg19) VCF-style: chr1-12008013-A-C.
Other names: c.218-20A>C (NM_001316320.2).
Identifiers: ClinVar variation 2955977 (VCV002955977.5), dbSNP rs1353336563, ClinGen allele CA521199055.

ClinVar aggregate classification (germline): Likely benign. Review status: criteria provided, multiple submitters, no conflicts (2 of 4 stars). 3 submissions from 3 submitters: Likely benign (3). Last evaluated 2026-01-25.

Conditions:
Ehlers-Danlos syndrome, kyphoscoliotic type 1 (EDSKSCL1). Also called: EHLERS-DANLOS SYNDROME, OCULAR-SCOLIOTIC TYPE; PLOD1-Related Kyphoscoliotic Ehlers-Danlos Syndrome; EHLERS-DANLOS SYNDROME, TYPE VIA; Ehlers-Danlos syndrome, hydroxylysine-deficient. Identifiers: Orphanet 1900, MedGen C0268342, MONDO:0016002, OMIM 225400. Disease mechanism: loss of function.

gnomAD v4.1: 17 of 1,530,644 alleles (0.0011%); highest among the groups gnomAD compares: Non-Finnish European, 0.0014%; no homozygotes.

Submissions (3):

Labcorp Genetics (formerly Invitae), Labcorp
Classification: Likely benign for Ehlers-Danlos syndrome, kyphoscoliotic type 1. Last evaluated: 2026-01-25. Review status: criteria provided, single submitter. Criteria: Invitae Variant Classification Sherloc (09022015). Collection method: clinical testing. Allele origin: germline.

Blueprint Genetics
Classification: Likely benign. Last evaluated: 2024-08-29. Review status: criteria provided, single submitter. Criteria: ACMG Guidelines, 2015. Collection method: clinical testing. Allele origin: germline.

Women's Health and Genetics/Laboratory Corporation of America, LabCorp
Classification: Likely benign. Last evaluated: 2024-01-09. Review status: criteria provided, single submitter. Criteria: LabCorp Variant Classification Summary - May 2015. Collection method: clinical testing. Allele origin: germline.
Comment: Variant summary: PLOD1 c.77-20A>C alters a non-conserved nucleotide located at a position not widely known to affect splicing. Consensus agreement among computation tools predict no significant impact on normal splicing. However, these predictions have yet to be confirmed by functional studies. The variant allele was found at a frequency of 4e-06 in 251448 control chromosomes. The available data on variant occurrences in the general population are insufficient to allow any conclusion about variant significance. To our knowledge, no occurrence of c.77-20A>C in individuals affected with Ehlers-Danlos Syndrome Type VI and no experimental evidence demonstrating its impact on protein function have been reported. No submitters have cited clinical-significance assessments for this variant to ClinVar. Based on the evidence outlined above, the variant was classified as likely benign.